The following is an entry in ClinVar:

NM_015346.4(ZFYVE26):c.6585C>T (p.Asn2195=)

Gene: ZFYVE26 (zinc finger FYVE-type containing 26; minus strand). Cytogenetic location: 14q24.1.
Variant type: single nucleotide variant.
Coding change: c.6585C>T on transcript NM_015346.4 (MANE Select); coding-DNA position 6585, C replaced by T.
Protein change: p.Asn2195=; no amino-acid change (asparagine 2195 retained).
Molecular consequence: synonymous variant.
Genome position (GRCh38, 1-based): chr14:67,761,369, G>A on the plus strand (C>T on the coding strand, the complement: ZFYVE26 is on the minus strand). VCF-style: chr14-67761369-G-A. GRCh37 (hg19) VCF-style: chr14-68228086-G-A.
Other names: c.6585C>T (NM_015346.3).
Identifiers: ClinVar variation 1666199 (VCV001666199.11), dbSNP rs377709932, ClinGen allele CA262822597.

ClinVar aggregate classification (germline): Likely benign. Review status: criteria provided, multiple submitters, no conflicts (2 of 4 stars). 3 submissions from 3 submitters: Likely benign (2). 1 of the submissions does not count toward it. Last evaluated 2023-09-08.

Conditions:
Spastic paraplegia. Identifiers: MedGen C0037772, HP:0001258.
ZFYVE26-related disorder. Also called: ZFYVE26-related condition.

Allele frequency attached by ClinVar (database versions not stated): gnomAD exomes 0.00001.
gnomAD v4.1: 33 of 1,612,078 alleles (0.002%); highest among the groups gnomAD compares: Admixed American, 0.0067%; no homozygotes.

Submissions (3):

Labcorp Genetics (formerly Invitae), Labcorp
Classification: Likely benign for Spastic paraplegia. Last evaluated: 2023-09-08. Review status: criteria provided, single submitter. Criteria: Invitae Variant Classification Sherloc (09022015). Collection method: clinical testing. Allele origin: germline.

Blueprint Genetics
Classification: Likely benign. Last evaluated: 2022-06-22. Review status: criteria provided, single submitter. Criteria: ACMG Guidelines, 2015. Collection method: clinical testing. Allele origin: germline.

PreventionGenetics, part of Exact Sciences
Classification: Likely benign for ZFYVE26-related condition. Last evaluated: 2019-08-28. Review status: no assertion criteria provided. Collection method: clinical testing. Allele origin: germline. Not counted in ClinVar's aggregate classification.
Comment: This variant is classified as likely benign based on ACMG/AMP sequence variant interpretation guidelines (Richards et al. 2015 PMID: 25741868, with internal and published modifications).